The following is an entry in ClinVar:

ClinVar aggregate classification (germline): Likely benign. Review status: criteria provided, multiple submitters, no conflicts (2 of 4 stars). 3 submissions from 3 submitters: Likely benign (2). 1 of the submissions does not count toward it. Last evaluated 2026-01-17.

Conditions:
Joubert syndrome. Also called: Familial aplasia of the vermis; JOUBERT-BOLTSHAUSER SYNDROME. Identifiers: Orphanet 475, MedGen C5979921, MONDO:0018772.
RPGRIP1L-related disorder. Also called: RPGRIP1L-related disorders; RPGRIP1L-related condition. Identifiers: MedGen CN239416.
Meckel-Gruber syndrome. Also called: GRUBER SYNDROME; Dysencephalia splachnocystica; DYSENCEPHALIA SPLANCHNOCYSTICA. Identifiers: Orphanet 564, MedGen C0265215, MONDO:0018921.

Allele frequency attached by ClinVar (database versions not stated): gnomAD exomes 0.00003 and 0.00021; gnomAD 0.00008 and 0.00009; TOPMed 0.00008; 1000 Genomes Project 30x 0.00016; 1000 Genomes Project 0.00020; ExAC 0.00021.
gnomAD v4.1: 58 of 1,611,936 alleles (0.0036%); highest among the groups gnomAD compares: East Asian, 0.12%; no homozygotes.

Submissions (3):

Labcorp Genetics (formerly Invitae), Labcorp
Classification: Likely benign for Joubert syndrome; Meckel-Gruber syndrome. Last evaluated: 2026-01-17. Review status: criteria provided, single submitter. Criteria: Invitae Variant Classification Sherloc (09022015). Collection method: clinical testing. Allele origin: germline.

PreventionGenetics, part of Exact Sciences
Classification: Likely benign for RPGRIP1L-related condition. Last evaluated: 2025-12-10. Review status: criteria provided, single submitter. Criteria: ACMG Guidelines, 2015. Collection method: clinical testing. Allele origin: germline.
Comment: This variant is classified as likely benign based on ACMG/AMP sequence variant interpretation guidelines (Richards et al. 2015 PMID: 25741868, with internal and published modifications).

Natera, Inc.
Classification: Uncertain significance for Joubert syndrome. Last evaluated: 2020-02-13. Review status: no assertion criteria provided. Collection method: clinical testing. Allele origin: germline. Not counted in ClinVar's aggregate classification.

NM_015272.5(RPGRIP1L):c.3928A>G (p.Arg1310Gly)

Gene: RPGRIP1L (RPGRIP1 like; minus strand). Cytogenetic location: 16q12.2.
Variant type: single nucleotide variant.
Coding change: c.3928A>G on transcript NM_015272.5 (MANE Select); coding-DNA position 3928, A replaced by G.
Protein change: p.Arg1310Gly; replaces arginine 1310 with glycine.
Molecular consequence: missense variant.
Genome position (GRCh38, 1-based): chr16:53,602,096, T>C on the plus strand (A>G on the coding strand, the complement: RPGRIP1L is on the minus strand). VCF-style: chr16-53602096-T-C. GRCh37 (hg19) VCF-style: chr16-53636008-T-C.
Other names: c.3928A>G (NM_015272.4); c.3688A>G, p.Arg1230Gly (NM_001127897.4); c.3790A>G, p.Arg1264Gly (NM_001308334.3); c.3826A>G, p.Arg1276Gly (NM_001330538.2); short protein forms R1276G, R1310G, R1230G, R1264G.
Identifiers: ClinVar variation 699557 (VCV000699557.14), dbSNP rs547718820, ClinGen allele CA8057121.